The following is an entry in ClinVar:

NM_004444.5(EPHB4):c.2158A>G (p.Met720Val)

Gene: EPHB4 (EPH receptor B4; minus strand). Cytogenetic location: 7q22.1.
Variant type: single nucleotide variant.
Coding change: c.2158A>G on transcript NM_004444.5 (MANE Select); coding-DNA position 2158, A replaced by G.
Protein change: p.Met720Val; replaces methionine 720 with valine.
Molecular consequence: missense variant.
Genome position (GRCh38, 1-based): chr7:100,807,541, T>C on the plus strand (A>G on the coding strand, the complement: EPHB4 is on the minus strand). VCF-style: chr7-100807541-T-C. GRCh37 (hg19) VCF-style: chr7-100405163-T-C.
Other names: short protein forms M720V.
Identifiers: ClinVar variation 1786839 (VCV001786839.2), dbSNP rs2485003822, ClinGen allele CA368569181.

ClinVar aggregate classification (germline): Uncertain significance (1 of 4 stars; one submission).

Conditions:
Cardiovascular phenotype. Identifiers: MedGen CN230736.

Submission:

Ambry Genetics
Classification: Uncertain significance for Cardiovascular phenotype. Last evaluated: 2021-10-11. Review status: criteria provided, single submitter. Criteria: Ambry Variant Classification Scheme 2023. Collection method: clinical testing. Allele origin: germline.
Comment: The p.M720V variant (also known as c.2158A>G), located in coding exon 13 of the EPHB4 gene, results from an A to G substitution at nucleotide position 2158. The methionine at codon 720 is replaced by valine, an amino acid with highly similar properties. This amino acid position is conserved. In addition, this alteration is predicted to be tolerated by in silico analysis. Since supporting evidence is limited at this time, the clinical significance of this alteration remains unclear.